The following is an entry in ClinVar:

ClinVar aggregate classification (germline): Uncertain significance. Review status: criteria provided, multiple submitters, no conflicts (2 of 4 stars). 2 submissions from 2 submitters: Uncertain significance (2). Last evaluated 2024-06-17.

Conditions:
Inborn genetic diseases. Identifiers: MedGen C0950123, MeSH D030342.

Allele frequency attached by ClinVar (database versions not stated): gnomAD exomes 0.00001; gnomAD 0.00002; TOPMed 0.00002.
gnomAD v4.1: 13 of 1,539,162 alleles (0.00084%); highest among the groups gnomAD compares: African/African-American, 0.0069%; no homozygotes.

Submissions (2):

Ambry Genetics
Classification: Uncertain significance for Inborn genetic diseases. Last evaluated: 2024-06-17. Review status: criteria provided, single submitter. Criteria: Ambry Variant Classification Scheme 2023. Collection method: clinical testing. Allele origin: germline.

Labcorp Genetics (formerly Invitae), Labcorp
Classification: Uncertain significance. Last evaluated: 2022-05-20. Review status: criteria provided, single submitter. Criteria: Invitae Variant Classification Sherloc (09022015). Collection method: clinical testing. Allele origin: germline.
Comment: This sequence change replaces glutamic acid, which is acidic and polar, with glutamine, which is neutral and polar, at codon 1663 of the APC2 protein (p.Glu1663Gln). In summary, the available evidence is currently insufficient to determine the role of this variant in disease. Therefore, it has been classified as a Variant of Uncertain Significance. Algorithms developed to predict the effect of missense changes on protein structure and function (SIFT, PolyPhen-2, Align-GVGD) all suggest that this variant is likely to be tolerated. This variant has not been reported in the literature in individuals affected with APC2-related conditions. This variant is present in population databases (no rsID available, gnomAD 0.01%).

NM_005883.3(APC2):c.4987G>C (p.Glu1663Gln)

Gene: APC2 (APC regulator of Wnt signaling pathway 2; plus strand). Cytogenetic location: 19p13.3.
Variant type: single nucleotide variant.
Coding change: c.4987G>C on transcript NM_005883.3 (MANE Select); coding-DNA position 4987, G replaced by C.
Protein change: p.Glu1663Gln; replaces glutamic acid 1663 with glutamine.
Molecular consequence: missense variant.
Genome position (GRCh38, 1-based): chr19:1,468,288, G>C. VCF-style: chr19-1468288-G-C. GRCh37 (hg19) VCF-style: chr19-1468287-G-C.
Other names: c.4984G>C, p.Glu1662Gln (NM_001351273.1); c.4987G>C (NM_005883.2); short protein forms E1662Q, E1663Q.
Identifiers: ClinVar variation 1907226 (VCV001907226.6), dbSNP rs1277723154, ClinGen allele CA403039224.